The following is an entry in ClinVar:

ClinVar aggregate classification (germline): Pathogenic. Review status: criteria provided, multiple submitters, no conflicts (2 of 4 stars). 2 submissions from 2 submitters: Pathogenic (2). Last evaluated 2025-06-23.

Conditions:
Xeroderma pigmentosum, group C (XPC). Also called: Xeroderma pigmentosum, complementation group C; XPC-Related Xeroderma Pigmentosum; XERODERMA PIGMENTOSUM III; XP, GROUP C. Identifiers: Orphanet 910, MedGen C2752147, MONDO:0010211, OMIM 278720.

Submissions (2):

Myriad Genetics, Inc.
Classification: Pathogenic for Xeroderma pigmentosum, group C. Last evaluated: 2025-06-23. Review status: criteria provided, single submitter. Criteria: Myriad Autosomal Dominant, Autosomal Recessive and X-Linked Classification Criteria (2023). Collection method: clinical testing. Allele origin: unknown.
Comment: NM_004628.4(XPC):c.2226delG(Q742Hfs*25) is a frameshift variant classified as pathogenic in the context of xeroderma pigmentosum group C. Q742Hfs*25 has not been observed in cases with relevant disease. Relevant functional assessments of this variant are not available in the literature. Q742Hfs*25 has not been observed in referenced population frequency databases. In summary, NM_004628.4(XPC):c.2226delG(Q742Hfs*25) is a frameshift variant in a gene where loss of function is a known mechanism of disease and is predicted to disrupt protein function. Please note: this variant was assessed in the context of healthy population screening.

Labcorp Genetics (formerly Invitae), Labcorp
Classification: Pathogenic. Last evaluated: 2022-04-11. Review status: criteria provided, single submitter. Criteria: Invitae Variant Classification Sherloc (09022015). Collection method: clinical testing. Allele origin: germline.
Comment: For these reasons, this variant has been classified as Pathogenic. This variant has not been reported in the literature in individuals affected with XPC-related conditions. This variant is not present in population databases (gnomAD no frequency). This sequence change creates a premature translational stop signal (p.Gln742Hisfs*25) in the XPC gene. It is expected to result in an absent or disrupted protein product. Loss-of-function variants in XPC are known to be pathogenic (PMID: 23173980, 25256075).

Literature cited by the submitters: PubMed 23173980 (cited by Labcorp Genetics (formerly Invitae), Labcorp); PubMed 25256075 (cited by Labcorp Genetics (formerly Invitae), Labcorp).

NM_004628.5(XPC):c.2226del (p.Gln742fs)

Gene: XPC (XPC complex subunit, DNA damage recognition and repair factor; minus strand). Cytogenetic location: 3p25.1.
Variant type: Deletion.
Coding change: c.2226del on transcript NM_004628.5 (MANE Select); coding-DNA position 2226, one base deleted (G; older notation c.2226delG).
Protein change: p.Gln742fs; shifts the reading frame from glutamine 742.
Molecular consequence: frameshift variant. On other transcripts: non-coding transcript variant (2).
Genome position (GRCh38, 1-based): chr3:14,148,838, C deleted on the plus strand (G on the coding strand, the reverse complement: XPC is on the minus strand). VCF-style (leftmost placement, unchanged base first): chr3-14148837-GC-G. GRCh37 (hg19) VCF-style: chr3-14190337-GC-G.
Other names: c.1647del, p.Gln549fs (NM_001354726.2); c.2220del, p.Gln740fs (NM_001354727.2); c.2208del, p.Gln736fs (NM_001354729.2); c.1980del, p.Gln660fs (NM_001354730.2); short protein forms Q549fs, Q660fs, Q736fs, Q740fs, Q742fs.
Identifiers: ClinVar variation 2124748 (VCV002124748.5), dbSNP rs2470227119, ClinGen allele CA2580068493.